The following is an entry in ClinVar:

NM_032608.7(MYO18B):c.7420C>T (p.His2474Tyr)

Gene: MYO18B (myosin XVIIIB; plus strand). Cytogenetic location: 22q12.1.
Variant type: single nucleotide variant.
Coding change: c.7420C>T on transcript NM_032608.7 (MANE Select); coding-DNA position 7420, C replaced by T.
Protein change: p.His2474Tyr; replaces histidine 2474 with tyrosine.
Molecular consequence: missense variant.
Genome position (GRCh38, 1-based): chr22:26,027,394, C>T. VCF-style: chr22-26027394-C-T. GRCh37 (hg19) VCF-style: chr22-26423360-C-T.
Other names: c.7423C>T, p.His2475Tyr (NM_001318245.2); short protein forms H2474Y, H2475Y.
Identifiers: ClinVar variation 1163672 (VCV001163672.11), dbSNP rs765637554, ClinGen allele CA10161773.

ClinVar aggregate classification (germline): Uncertain significance. Review status: criteria provided, multiple submitters, no conflicts (2 of 4 stars). 3 submissions from 3 submitters: Uncertain significance (3). Last evaluated 2025-12-17.

Conditions:
MYO18B-related disorder. Also called: MYO18B-related condition.

Allele frequency attached by ClinVar (database versions not stated): ExAC 0.00002; gnomAD 0.00002; gnomAD exomes 0.00002; TOPMed 0.00003.
gnomAD v4.1: 35 of 1,613,828 alleles (0.0022%); highest among the groups gnomAD compares: Non-Finnish European, 0.00042%; no homozygotes.

Submissions (3):

PreventionGenetics, part of Exact Sciences
Classification: Uncertain significance for MYO18B-related condition. Last evaluated: 2025-12-17. Review status: criteria provided, single submitter. Criteria: ACMG Guidelines, 2015. Collection method: clinical testing. Allele origin: germline.
Comment: The MYO18B c.7420C>T variant is predicted to result in the amino acid substitution p.His2474Tyr. To our knowledge, this variant has not been reported in the literature. This variant is reported in 0.029% of alleles in individuals of Ashkenazi Jewish descent in gnomAD. At this time, the clinical significance of this variant is uncertain due to the absence of conclusive functional and genetic evidence.

Labcorp Genetics (formerly Invitae), Labcorp
Classification: Uncertain significance. Last evaluated: 2021-07-30. Review status: criteria provided, single submitter. Criteria: Invitae Variant Classification Sherloc (09022015). Collection method: clinical testing. Allele origin: germline.
Comment: In summary, the available evidence is currently insufficient to determine the role of this variant in disease. Therefore, it has been classified as a Variant of Uncertain Significance. Algorithms developed to predict the effect of missense changes on protein structure and function are either unavailable or do not agree on the potential impact of this missense change (SIFT: "Not Available"; PolyPhen-2: "Possibly Damaging"; Align-GVGD: "Not Available"). This variant has not been reported in the literature in individuals with MYO18B-related conditions. This variant is present in population databases (rs765637554, ExAC 0.003%). This sequence change replaces histidine with tyrosine at codon 2474 of the MYO18B protein (p.His2474Tyr). The histidine residue is weakly conserved and there is a moderate physicochemical difference between histidine and tyrosine.

Mayo Clinic Laboratories, Mayo Clinic
Classification: Uncertain significance. Last evaluated: 2019-09-16. Review status: criteria provided, single submitter. Criteria: ACMG Guidelines, 2015. Collection method: clinical testing. Allele origin: germline. Observed: 1 variant allele.